The following is an entry in ClinVar:

NM_006941.4(SOX10):c.1100dup (p.His368fs)

Genes: POLR2F (RNA polymerase II, I and III subunit F; plus strand), SOX10 (SRY-box transcription factor 10; minus strand). Cytogenetic location: 22q13.1.
Variant type: Duplication.
Coding change: c.1100dup on transcript NM_006941.4 (MANE Select); coding-DNA position 1100, one base duplicated (C; older notation c.1100dupC).
Protein change: p.His368fs; shifts the reading frame from histidine 368.
Molecular consequence: frameshift variant. On other transcripts: intron variant (3).
Genome position (GRCh38, 1-based): chr22:37,973,796, G duplicated on the plus strand (C on the coding strand, the reverse complement: SOX10 is on the minus strand); the first of 5 consecutive G bases (chr22:37,973,796-37,973,800); duplicating any one gives the same sequence. VCF-style (leftmost placement, unchanged base first): chr22-37973795-T-TG. GRCh37 (hg19) VCF-style: chr22-38369802-T-TG.
Other names: c.*38+1490dup (NM_001363825.1); c.293+6630dup (NM_001301130.2, NM_001301131.2); short protein forms H368fs.
Identifiers: ClinVar variation 4533344 (VCV004533344.1).

ClinVar aggregate classification (germline): Likely pathogenic (1 of 4 stars; one submission).

Conditions:
Monogenic hearing loss.

Submission:

Genetics Laboratory, Great Ormond Street Hospital NHS Foundation Trust, North Thames Genomic Laboratory Hub
Classification: Likely pathogenic for Monogenic hearing loss. Last evaluated: 2025-10-08. Review status: criteria provided, single submitter. Criteria: ACGS Best Practice Guidelines for Variant Classification in Rare Disease 2024 v1.2. Collection method: clinical testing. Allele origin: germline. Affected: yes.
Comment: PM2_moderate, PVS1_strong